The following is an entry in ClinVar:

ClinVar aggregate classification (germline): Uncertain significance (1 of 4 stars; one submission).

Allele frequency attached by ClinVar (database versions not stated): gnomAD exomes below 0.00001; ExAC 0.00001.

Submission:

Labcorp Genetics (formerly Invitae), Labcorp
Classification: Uncertain significance. Last evaluated: 2023-10-04. Review status: criteria provided, single submitter. Criteria: Invitae Variant Classification Sherloc (09022015). Collection method: clinical testing. Allele origin: germline.
Comment: This sequence change replaces methionine, which is neutral and non-polar, with isoleucine, which is neutral and non-polar, at codon 1846 of the FBN3 protein (p.Met1846Ile). The frequency data for this variant in the population databases is considered unreliable, as metrics indicate poor data quality at this position in the gnomAD database. This variant has not been reported in the literature in individuals affected with FBN3-related conditions. An algorithm developed to predict the effect of missense changes on protein structure and function (PolyPhen-2) suggests that this variant is likely to be tolerated. In summary, the available evidence is currently insufficient to determine the role of this variant in disease. Therefore, it has been classified as a Variant of Uncertain Significance.

NM_032447.5(FBN3):c.5538G>A (p.Met1846Ile)

Gene: FBN3 (fibrillin 3; minus strand). Cytogenetic location: 19p13.2.
Variant type: single nucleotide variant.
Coding change: c.5538G>A on transcript NM_032447.5 (MANE Select); coding-DNA position 5538, G replaced by A.
Protein change: p.Met1846Ile; replaces methionine 1846 with isoleucine.
Molecular consequence: missense variant.
Genome position (GRCh38, 1-based): chr19:8,096,445, C>T on the plus strand (G>A on the coding strand, the complement: FBN3 is on the minus strand). VCF-style: chr19-8096445-C-T. GRCh37 (hg19) VCF-style: chr19-8161329-C-T.
Other names: c.5538G>A, p.Met1846Ile (NM_001321431.2); short protein forms M1846I.
Identifiers: ClinVar variation 3023297 (VCV003023297.3), dbSNP rs761004012, ClinGen allele CA9151638.